The following is an entry in ClinVar:

ClinVar aggregate classification (germline): Uncertain significance. Review status: criteria provided, multiple submitters, no conflicts (2 of 4 stars). 3 submissions from 3 submitters: Uncertain significance (3). Last evaluated 2025-04-09.

Conditions:
Cardiovascular phenotype. Identifiers: MedGen CN230736.

Submissions (3):

Molecular Diagnostic Laboratory for Inherited Cardiovascular Disease, Montreal Heart Institute
Classification: Uncertain significance for Cardiovascular phenotype. Last evaluated: 2025-04-09. Review status: criteria provided, single submitter. Criteria: ACMG Guidelines, 2015. Collection method: clinical testing. Allele origin: germline. Affected: yes.

Women's Health and Genetics/Laboratory Corporation of America, LabCorp
Classification: Uncertain significance. Last evaluated: 2025-01-15. Review status: criteria provided, single submitter. Criteria: LabCorp Variant Classification Summary - May 2015. Collection method: clinical testing. Allele origin: germline.
Comment: Variant summary: TTN c.10303+2302dupT (also known as [c.10794dupT, p.Lys3599X] in NM_001267550) is located at a position not widely known to affect splicing. Consensus agreement among computation tools predict no significant impact on normal splicing. However, these predictions have yet to be confirmed by functional studies. Loss of function variants in all TTN bands are strongly associated with a spectrum of autosomal recessive titinopathies when exon expression (proportion spliced in, PSI, 1=complete expression) in skeletal muscle is >0.1 (PMID: 36977548, 39198997, 29598826, 32778822, 29691892, 33449170, 36977548, internal data). In contrast, loss of function variants in all TTN bands are only strongly associated with autosomal dominant TTN-related cardiomyopathies if located in exons constitutively expressed (PSI >0.9) in cardiac muscle, excluding extreme C-terminal exons 359-363 (PMID: 25589632, 31216868, 32964742, 34662387, 27869827, Shetty et al., Nat Cardiovasc Res 2024,, internal data). This variant has a maximum skeletal muscle PSI of 0.001 and a maximum cardiac muscle PSI of 0.04. The variant allele was found at a frequency of 1.6e-05 in 248616 control chromosomes (gnomAD). The available data on variant occurrences in the general population are insufficient to allow any conclusion about variant significance. c.10303+2302dupT (described as c.10794dupT, p.Lys3599X in papers) has been reported in the literature in individuals affected with Cardiomyopathy or Atrial fibrillation (Choi_2018, Forrest_2024). These reports do not provide unequivocal conclusions about association of the variant with Dilated Cardiomyopathy. To our knowledge, no experimental evidence demonstrating an impact on protein function has been reported. The following publications have been ascertained in the context of this evaluation (PMID: 30535219, 38642551). ClinVar contains an entry for this variant (Variation ID: 2581588). Based on the evidence outline above and the lack of clinical evidence in a low PSI exon, the variant has been classified as uncertain significance.

Blueprint Genetics
Classification: Uncertain significance. Last evaluated: 2023-12-21. Review status: criteria provided, single submitter. Criteria: ACMG Guidelines, 2015. Collection method: clinical testing. Allele origin: germline.

Literature cited by the submitters: PubMed 30535219 (cited by Women's Health and Genetics/Laboratory Corporation of America, LabCorp); PubMed 38642551 (cited by Women's Health and Genetics/Laboratory Corporation of America, LabCorp).

NM_001267550.2(TTN):c.10794dup (p.Lys3599Ter)

Gene: TTN (titin; minus strand). Cytogenetic location: 2q31.2.
Variant type: Duplication.
Coding change: c.10794dup on transcript NM_001267550.2 (MANE Select); coding-DNA position 10794, one base duplicated (T; older notation c.10794dupT).
Protein change: p.Lys3599Ter; replaces lysine 3599 with a stop codon.
Molecular consequence: nonsense. On other transcripts: intron variant (6).
Genome position (GRCh38, 1-based): chr2:178,756,682, A duplicated on the plus strand (T on the coding strand, the reverse complement: TTN is on the minus strand); the first of 2 consecutive A bases (chr2:178,756,682-178,756,683); duplicating either gives the same sequence. VCF-style (leftmost placement, unchanged base first): chr2-178756681-T-TA. GRCh37 (hg19) VCF-style: chr2-179621408-T-TA.
Other names: c.10281dup, p.Lys3428Ter (NM_133437.4); c.10165+2302dup (NM_003319.4); c.10540+860dup (NM_133432.3); c.10303+2302dup (NM_133378.4, NM_001256850.1, NM_133379.5); c.10303+2302dupT (NM_133378.4); short protein forms K3428*, K3599*.
Identifiers: ClinVar variation 2581588 (VCV002581588.4), dbSNP rs765423058, ClinGen allele CA2004034.